The following is an entry in ClinVar:

NM_012431.3(SEMA3E):c.1480A>G (p.Met494Val)

Gene: SEMA3E (semaphorin 3E; minus strand). Cytogenetic location: 7q21.11.
Variant type: single nucleotide variant.
Coding change: c.1480A>G on transcript NM_012431.3 (MANE Select); coding-DNA position 1480, A replaced by G.
Protein change: p.Met494Val; replaces methionine 494 with valine.
Molecular consequence: missense variant.
Genome position (GRCh38, 1-based): chr7:83,394,317, T>C on the plus strand (A>G on the coding strand, the complement: SEMA3E is on the minus strand). VCF-style: chr7-83394317-T-C. GRCh37 (hg19) VCF-style: chr7-83023633-T-C.
Other names: c.1300A>G, p.Met434Val (NM_001178129.2); short protein forms M494V, M434V.
Identifiers: ClinVar variation 1035822 (VCV001035822.9), dbSNP rs145819479, ClinGen allele CA4322009.
Genomic context (GRCh38, chr7:83,394,317, plus strand): 5'-AGAACACACACACCTACACACACACACACACAGAACTTACCCGCTTTGAAGAAATCTCCA[T>C]AGAAATAATAGGAACTGGATCCTGAAATTTTAAAAAAGTTTTCATTTTTAAGAAAACAGT-3'
Protein context (NP_036563.1, residues 484-504): IFKDPVPIIS[Met494Val]EISSKRQQLY

ClinVar aggregate classification (germline): Uncertain significance (1 of 4 stars; one submission).

Conditions:
CHARGE syndrome (CHARGE). Also called: Hittner Hirsch Kreh syndrome; Coloboma, heart anomaly, choanal atresia, retardation, genital and ear anomalies; CHARGE association; Hall-Hittner syndrome; CHARGE ASSOCIATION--COLOBOMA, HEART ANOMALY, CHOANAL ATRESIA, RETARDATION, GENITAL AND EAR ANOMALIES. Identifiers: Orphanet 138, MedGen C0265354, MONDO:0008965.

Allele frequency attached by ClinVar (database versions not stated): ExAC 0.00001; gnomAD 0.00001 and 0.00002; gnomAD exomes 0.00001 and 0.00002; TOPMed 0.00001; ESP Exome Variant Server 0.00008.
gnomAD v4.1: 11 of 1,613,094 alleles (0.00068%); highest among the groups gnomAD compares: Non-Finnish European, 0.00085%; no homozygotes.

Submission:

Labcorp Genetics (formerly Invitae), Labcorp
Classification: Uncertain significance for CHARGE syndrome. Last evaluated: 2023-10-05. Review status: criteria provided, single submitter. Criteria: Invitae Variant Classification Sherloc (09022015). Collection method: clinical testing. Allele origin: germline.
Comment: This sequence change replaces methionine, which is neutral and non-polar, with valine, which is neutral and non-polar, at codon 494 of the SEMA3E protein (p.Met494Val). This variant is present in population databases (rs145819479, gnomAD 0.004%). This variant has not been reported in the literature in individuals affected with SEMA3E-related conditions. ClinVar contains an entry for this variant (Variation ID: 1035822). Advanced modeling of protein sequence and biophysical properties (such as structural, functional, and spatial information, amino acid conservation, physicochemical variation, residue mobility, and thermodynamic stability) performed at Invitae indicates that this missense variant is not expected to disrupt SEMA3E protein function. In summary, the available evidence is currently insufficient to determine the role of this variant in disease. Therefore, it has been classified as a Variant of Uncertain Significance.